The following is an entry in ClinVar:

ClinVar aggregate classification (germline): Uncertain significance (1 of 4 stars; one submission).

Submission:

Ambry Genetics
Classification: Uncertain significance. Last evaluated: 2022-01-07. Review status: criteria provided, single submitter. Criteria: Ambry Variant Classification Scheme 2023. Collection method: clinical testing. Allele origin: germline.
Comment: The p.T937I variant (also known as c.2810C>T), located in coding exon 1 of the MLH3 gene, results from a C to T substitution at nucleotide position 2810. The threonine at codon 937 is replaced by isoleucine, an amino acid with similar properties. This amino acid position is conserved. In addition, this alteration is predicted to be tolerated by in silico analysis. Since supporting evidence is limited at this time, the clinical significance of this alteration remains unclear.

NM_001040108.2(MLH3):c.2810C>T (p.Thr937Ile)

Gene: MLH3 (mutL homolog 3; minus strand). Cytogenetic location: 14q24.3.
Variant type: single nucleotide variant.
Coding change: c.2810C>T on transcript NM_001040108.2 (MANE Select); coding-DNA position 2810, C replaced by T.
Protein change: p.Thr937Ile; replaces threonine 937 with isoleucine.
Molecular consequence: missense variant.
Genome position (GRCh38, 1-based): chr14:75,046,846, G>A on the plus strand (C>T on the coding strand, the complement: MLH3 is on the minus strand). VCF-style: chr14-75046846-G-A. GRCh37 (hg19) VCF-style: chr14-75513549-G-A.
Other names: c.2810C>T, p.Thr937Ile (NM_014381.3); short protein forms T937I.
Identifiers: ClinVar variation 1796326 (VCV001796326.2), dbSNP rs2503260120, ClinGen allele CA390438378.